The following is an entry in ClinVar:

NM_022124.6(CDH23):c.7131C>T (p.Asn2377=)

Gene: CDH23 (cadherin related 23; plus strand). Cytogenetic location: 10q22.1.
Variant type: single nucleotide variant.
Coding change: c.7131C>T on transcript NM_022124.6 (MANE Select); coding-DNA position 7131, C replaced by T.
Protein change: p.Asn2377=; no amino-acid change (asparagine 2377 retained).
Molecular consequence: synonymous variant.
Genome position (GRCh38, 1-based): chr10:71,799,187, C>T. VCF-style: chr10-71799187-C-T. GRCh37 (hg19) VCF-style: chr10-73558944-C-T.
Other names: c.411C>T, p.Asn137= (NM_001171933.1, NM_001171934.1).
Identifiers: ClinVar variation 990292 (VCV000990292.36), dbSNP rs369805384, ClinGen allele CA5546269.

ClinVar aggregate classification (germline): Likely benign. Review status: criteria provided, multiple submitters, no conflicts (2 of 4 stars). 6 submissions from 6 submitters: Likely benign (3). 3 of the submissions do not count toward it. Last evaluated 2025-12-03.

Conditions:
Usher syndrome type 1 (USH1). Also called: RETINITIS PIGMENTOSA AND CONGENITAL DEAFNESS. Identifiers: Orphanet 231169, Orphanet 886, MedGen C1568247, MONDO:0010168, OMIM 276900.

Allele frequency attached by ClinVar (database versions not stated): gnomAD 0.00001; TOPMed 0.00001; ExAC 0.00002; gnomAD exomes 0.00003; ESP Exome Variant Server 0.00008.
gnomAD v4.1: 47 of 1,613,940 alleles (0.0029%); highest among the groups gnomAD compares: Middle Eastern, 0.2%; 2 homozygotes.

Submissions (6):

Labcorp Genetics (formerly Invitae), Labcorp
Classification: Likely benign. Last evaluated: 2025-12-03. Review status: criteria provided, single submitter. Criteria: Invitae Variant Classification Sherloc (09022015). Collection method: clinical testing. Allele origin: germline.

Blueprint Genetics
Classification: Likely benign. Last evaluated: 2024-07-08. Review status: criteria provided, single submitter. Criteria: ACMG Guidelines, 2015. Collection method: clinical testing. Allele origin: germline.

CeGaT Center for Human Genetics Tuebingen
Classification: Likely benign. Last evaluated: 2024-02-01. Review status: criteria provided, single submitter. Criteria: CeGaT Center For Human Genetics Tuebingen Variant Classification Criteria Version 2. Collection method: clinical testing. Allele origin: germline. Affected: yes. Observed: 3 variant alleles.
Comment: CDH23: BP4, BP7

Natera, Inc.
Classification: Likely benign for Usher syndrome type 1. Last evaluated: 2020-04-17. Review status: no assertion criteria provided. Collection method: clinical testing. Allele origin: germline. Not counted in ClinVar's aggregate classification.

Clinical Genetics DNA and cytogenetics Diagnostics Lab, Erasmus MC, Erasmus Medical Center
Classification: Likely benign. Review status: no assertion criteria provided. Collection method: clinical testing. Allele origin: germline. Affected: yes. Study: VKGL Data-share Consensus. Not counted in ClinVar's aggregate classification.

Clinical Genetics, Academic Medical Center
Classification: Benign. Review status: no assertion criteria provided. Collection method: clinical testing. Allele origin: germline. Affected: yes. Study: VKGL Data-share Consensus. Not counted in ClinVar's aggregate classification.